The following is an entry in ClinVar:

NM_012452.3(TNFRSF13B):c.868G>C (p.Gly290Arg)

Gene: TNFRSF13B (TNF receptor superfamily member 13B; minus strand). Cytogenetic location: 17p11.2.
Variant type: single nucleotide variant.
Coding change: c.868G>C on transcript NM_012452.3 (MANE Select); coding-DNA position 868, G replaced by C.
Protein change: p.Gly290Arg; replaces glycine 290 with arginine.
Molecular consequence: missense variant.
Genome position (GRCh38, 1-based): chr17:16,939,561, C>G on the plus strand (G>C on the coding strand, the complement: TNFRSF13B is on the minus strand). VCF-style: chr17-16939561-C-G. GRCh37 (hg19) VCF-style: chr17-16842875-C-G.
Other names: short protein forms G290R.
Identifiers: ClinVar variation 3689826 (VCV003689826.2).
Genomic context (GRCh38, chr17:16,939,561, plus strand): 5'-CTCCTCTCCATCTCTCTCCCTCCTCCTTTCCCTCCCTGACCCCCATTTATGCACCTGGGC[C>G]CCCCTCCTGGGCAGGCACACACACAATGCCAAGGCCACTGTCTGGGATGTGTGGGCAAGG-3'
Protein context (NP_036584.1, residues 280-293): GIVCVPAQEG[Gly290Arg]PGA

ClinVar aggregate classification (germline): Uncertain significance (1 of 4 stars; one submission).

Conditions:
Immunodeficiency, common variable, 2 (CVID2). Also called: ANTIBODY DEFICIENCY DUE TO TACI DEFECT; HYPOGAMMAGLOBULINEMIA DUE TO TACI DEFICIENCY. Identifiers: Orphanet 1572, MedGen C3150354, MONDO:0009413, OMIM 240500.

Submission:

Labcorp Genetics (formerly Invitae), Labcorp
Classification: Uncertain significance for Immunodeficiency, common variable, 2. Last evaluated: 2025-11-03. Review status: criteria provided, single submitter. Criteria: Invitae Variant Classification Sherloc (09022015). Collection method: clinical testing. Allele origin: germline.
Comment: This sequence change replaces glycine, which is neutral and non-polar, with arginine, which is basic and polar, at codon 290 of the TNFRSF13B protein (p.Gly290Arg). This variant is present in population databases (rs575778769, gnomAD 0.006%). This variant has not been reported in the literature in individuals affected with TNFRSF13B-related conditions. ClinVar contains an entry for this variant (Variation ID: 3689826). Invitae Evidence Modeling of protein sequence and biophysical properties (such as structural, functional, and spatial information, amino acid conservation, physicochemical variation, residue mobility, and thermodynamic stability) indicates that this missense variant is not expected to disrupt TNFRSF13B protein function with a negative predictive value of 95%. In summary, the available evidence is currently insufficient to determine the role of this variant in disease. Therefore, it has been classified as a Variant of Uncertain Significance.